The following is an entry in ClinVar:

ClinVar aggregate classification (germline): Likely benign. Review status: criteria provided, multiple submitters, no conflicts (2 of 4 stars). 3 submissions from 3 submitters: Likely benign (3). Last evaluated 2026-01-12.

Conditions:
HNSHA due to aldolase A deficiency (GSD12). Also called: GSD XII; RED CELL ALDOLASE DEFICIENCY; Glycogen storage disease due to aldolase A deficiency; GLYCOGEN STORAGE DISEASE XII. Identifiers: Orphanet 57, MedGen C0272066, MONDO:0012747, OMIM 611881.

Allele frequency attached by ClinVar (database versions not stated): gnomAD 0.00001 and 0.00003; TOPMed 0.00004; gnomAD exomes 0.00006 and 0.00010; ExAC 0.00009; 1000 Genomes Project 30x 0.00031; 1000 Genomes Project 0.00040.
gnomAD v4.1: 101 of 1,613,814 alleles (0.0063%); highest among the groups gnomAD compares: Middle Eastern, 0.049%; no homozygotes.

Submissions (3):

Labcorp Genetics (formerly Invitae), Labcorp
Classification: Likely benign for HNSHA due to aldolase A deficiency. Last evaluated: 2026-01-12. Review status: criteria provided, single submitter. Criteria: Invitae Variant Classification Sherloc (09022015). Collection method: clinical testing. Allele origin: germline.

Blueprint Genetics
Classification: Likely benign. Last evaluated: 2024-10-17. Review status: criteria provided, single submitter. Criteria: ACMG Guidelines, 2015. Collection method: clinical testing. Allele origin: germline.

GeneDx
Classification: Likely benign. Last evaluated: 2016-11-08. Review status: criteria provided, single submitter. Criteria: GeneDx Variant Classification (06012015). Collection method: clinical testing. Allele origin: germline. Affected: yes.
Comment: This variant is considered likely benign or benign based on one or more of the following criteria: it is a conservative change, it occurs at a poorly conserved position in the protein, it is predicted to be benign by multiple in silico algorithms, and/or has population frequency not consistent with disease.

NM_001243177.4(ALDOA):c.1134G>A (p.Ala378=)

Genes: ALDOA (aldolase, fructose-bisphosphate A; plus strand), LOC112694756 (uncharaterized LOC112694756; plus strand). Cytogenetic location: 16p11.2.
Variant type: single nucleotide variant.
Coding change: c.1134G>A on transcript NM_001243177.4 (MANE Select); coding-DNA position 1134, G replaced by A.
Protein change: p.Ala378=; no amino-acid change (alanine 378 retained).
Molecular consequence: synonymous variant. On other transcripts: 3 prime UTR variant (3).
Genome position (GRCh38, 1-based): chr16:30,070,002, G>A. VCF-style: chr16-30070002-G-A. GRCh37 (hg19) VCF-style: chr16-30081323-G-A.
Other names: c.*1481G>A (NM_001365304.2, NM_001365305.2, NM_001365307.2); c.972G>A, p.Ala324= (NM_001127617.2, NM_184041.5, NM_184043.2).
Identifiers: ClinVar variation 318838 (VCV000318838.13), dbSNP rs530089317, ClinGen allele CA8001210.